The following is an entry in ClinVar:

NM_001330723.2(SNX27):c.40C>T (p.Pro14Ser)

Genes: SNX27 (sorting nexin 27; plus strand), LOC129931442 (ATAC-STARR-seq lymphoblastoid silent region 1324; plus strand). Cytogenetic location: 1q21.3.
Variant type: single nucleotide variant.
Coding change: c.40C>T on transcript NM_001330723.2 (MANE Select); coding-DNA position 40, C replaced by T.
Protein change: p.Pro14Ser; replaces proline 14 with serine.
Molecular consequence: missense variant.
Genome position (GRCh38, 1-based): chr1:151,612,241, C>T. VCF-style: chr1-151612241-C-T. GRCh37 (hg19) VCF-style: chr1-151584717-C-T.
Other names: c.40C>T, p.Pro14Ser (NM_030918.6); short protein forms P14S.
Identifiers: ClinVar variation 849829 (VCV000849829.10), dbSNP rs754474112, ClinGen allele CA30493460.

ClinVar aggregate classification (germline): Uncertain significance. Review status: criteria provided, multiple submitters, no conflicts (2 of 4 stars). 2 submissions from 2 submitters: Uncertain significance (2). Last evaluated 2024-03-31.

Conditions:
Inborn genetic diseases. Identifiers: MedGen C0950123, MeSH D030342.
Severe myoclonic epilepsy in infancy (DRVT). Also called: SEVERE MYOCLONIC EPILEPSY OF INFANCY; DEVELOPMENTAL AND EPILEPTIC ENCEPHALOPATHY 6A; Severe Myoclonic Epilepsy in Infancy (SMEI); Dravet syndrome; Epileptic encephalopathy, early infantile, 6 (Dravet syndrome). Identifiers: Orphanet 33069, MedGen C0751122, MONDO:0100135, OMIM 607208.

Allele frequency attached by ClinVar (database versions not stated): gnomAD exomes 0.00001; TOPMed 0.00002.
gnomAD v4.1: 19 of 1,430,560 alleles (0.0013%); highest among the groups gnomAD compares: Middle Eastern, 0.019%; no homozygotes.

Submissions (2):

Ambry Genetics
Classification: Uncertain significance for Inborn genetic diseases. Last evaluated: 2024-03-31. Review status: criteria provided, single submitter. Criteria: Ambry Variant Classification Scheme 2023. Collection method: clinical testing. Allele origin: germline.

Labcorp Genetics (formerly Invitae), Labcorp
Classification: Uncertain significance for Severe myoclonic epilepsy in infancy. Last evaluated: 2022-08-16. Review status: criteria provided, single submitter. Criteria: Invitae Variant Classification Sherloc (09022015). Collection method: clinical testing. Allele origin: germline.
Comment: Algorithms developed to predict the effect of missense changes on protein structure and function output the following: SIFT: "Deleterious"; PolyPhen-2: "Benign"; Align-GVGD: "Class C0". The serine amino acid residue is found in multiple mammalian species, which suggests that this missense change does not adversely affect protein function. In summary, the available evidence is currently insufficient to determine the role of this variant in disease. Therefore, it has been classified as a Variant of Uncertain Significance. ClinVar contains an entry for this variant (Variation ID: 849829). This variant has not been reported in the literature in individuals affected with SNX27-related conditions. This variant is present in population databases (no rsID available, gnomAD 0.01%). This sequence change replaces proline, which is neutral and non-polar, with serine, which is neutral and polar, at codon 14 of the SNX27 protein (p.Pro14Ser).